The following is an entry in ClinVar:

NM_016335.6(PRODH):c.1729C>T (p.Arg577Trp)

Gene: PRODH (proline dehydrogenase 1; minus strand). Cytogenetic location: 22q11.21.
Variant type: single nucleotide variant.
Coding change: c.1729C>T on transcript NM_016335.6 (MANE Select); coding-DNA position 1729, C replaced by T.
Protein change: p.Arg577Trp; replaces arginine 577 with tryptophan.
Molecular consequence: missense variant.
Genome position (GRCh38, 1-based): chr22:18,913,249, G>A on the plus strand (C>T on the coding strand, the complement: PRODH is on the minus strand). VCF-style: chr22-18913249-G-A. GRCh37 (hg19) VCF-style: chr22-18900762-G-A.
Other names: c.1405C>T, p.Arg469Trp (NM_001195226.2); short protein forms R469W, R577W.
Identifiers: ClinVar variation 1214571 (VCV001214571.10), dbSNP rs184218784, ClinGen allele CA10094844.

ClinVar aggregate classification (germline): Conflicting classifications of pathogenicity. Review status: criteria provided, conflicting classifications (1 of 4 stars). 4 submissions from 4 submitters: Uncertain significance (2); Likely benign (2). Last evaluated 2024-12-02.

Conditions:
Inborn genetic diseases. Identifiers: MedGen C0950123, MeSH D030342.
Schizophrenia 4 (SCZD4). Also called: SCHIZOPHRENIA, SUSCEPTIBILITY TO, 4; SCHIZOPHRENIA SUSCEPTIBILITY LOCUS, CHROMOSOME 22q11-RELATED. Identifiers: MedGen C1833247, MONDO:0010943, OMIM 600850.
Proline dehydrogenase deficiency (HYRPRO1). Also called: Hyperprolinemia type 1; PROLINE OXIDASE DEFICIENCY. Identifiers: Orphanet 419, MedGen C0268529, MONDO:0009400, OMIM 239500.

Allele frequency attached by ClinVar (database versions not stated): ExAC 0.00009; gnomAD exomes 0.00013 and 0.00042; 1000 Genomes Project 0.00020; gnomAD 0.00020.

Submissions (4):

Labcorp Genetics (formerly Invitae), Labcorp
Classification: Uncertain significance for Proline dehydrogenase deficiency. Last evaluated: 2024-12-02. Review status: criteria provided, single submitter. Criteria: Invitae Variant Classification Sherloc (09022015). Collection method: clinical testing. Allele origin: germline.
Comment: This sequence change replaces arginine, which is basic and polar, with tryptophan, which is neutral and slightly polar, at codon 577 of the PRODH protein (p.Arg577Trp). This variant is present in population databases (rs184218784, gnomAD 0.2%). This variant has not been reported in the literature in individuals affected with PRODH-related conditions. ClinVar contains an entry for this variant (Variation ID: 1214571). Invitae Evidence Modeling of protein sequence and biophysical properties (such as structural, functional, and spatial information, amino acid conservation, physicochemical variation, residue mobility, and thermodynamic stability) indicates that this missense variant is not expected to disrupt PRODH protein function with a negative predictive value of 80%. In summary, the available evidence is currently insufficient to determine the role of this variant in disease. Therefore, it has been classified as a Variant of Uncertain Significance.

Fulgent Genetics
Classification: Likely benign for Proline dehydrogenase deficiency; Schizophrenia 4. Last evaluated: 2024-04-09. Review status: criteria provided, single submitter. Criteria: ACMG Guidelines, 2015. Collection method: clinical testing. Allele origin: germline.

Ambry Genetics
Classification: Likely benign for Inborn genetic diseases. Last evaluated: 2021-09-17. Review status: criteria provided, single submitter. Criteria: Ambry Variant Classification Scheme 2023. Collection method: clinical testing. Allele origin: germline.

GeneDx
Classification: Uncertain significance. Last evaluated: 2021-04-01. Review status: criteria provided, single submitter. Criteria: GeneDx Variant Classification Process June 2021. Collection method: clinical testing. Allele origin: germline. Affected: yes.
Comment: In silico analysis supports that this missense variant has a deleterious effect on protein structure/function